The following is an entry in ClinVar:

ClinVar aggregate classification (germline): Uncertain significance (1 of 4 stars; one submission).

Conditions:
Hereditary cancer-predisposing syndrome. Also called: Hereditary Cancer Syndrome; Tumor predisposition; Hereditary neoplastic syndrome; Neoplastic Syndromes, Hereditary. Identifiers: Orphanet 140162, MedGen C0027672, MeSH D009386, MONDO:0015356.
Cardiovascular phenotype. Identifiers: MedGen CN230736.

Submission:

Ambry Genetics
Classification: Uncertain significance for Cardiovascular phenotype; Hereditary cancer-predisposing syndrome. Last evaluated: 2024-09-18. Review status: criteria provided, single submitter. Criteria: Ambry Variant Classification Scheme 2023. Collection method: clinical testing. Allele origin: germline.
Comment: The p.Y2621S variant (also known as c.7862A>C), located in coding exon 53 of the NF1 gene, results from an A to C substitution at nucleotide position 7862. The tyrosine at codon 2621 is replaced by serine, an amino acid with dissimilar properties. This amino acid position is conserved. In addition, this alteration is predicted to be deleterious by in silico analysis. Based on the available evidence, the clinical significance of this variant remains unclear.

NM_001042492.3(NF1):c.7925A>C (p.Tyr2642Ser)

Gene: NF1 (neurofibromin 1; plus strand). Cytogenetic location: 17q11.2.
Variant type: single nucleotide variant.
Coding change: c.7925A>C on transcript NM_001042492.3 (MANE Select); coding-DNA position 7925, A replaced by C.
Protein change: p.Tyr2642Ser; replaces tyrosine 2642 with serine.
Molecular consequence: missense variant.
Genome position (GRCh38, 1-based): chr17:31,357,324, A>C. VCF-style: chr17-31357324-A-C. GRCh37 (hg19) VCF-style: chr17-29684342-A-C.
Other names: c.7862A>C, p.Tyr2621Ser (NM_000267.4); short protein forms Y2621S, Y2642S.
Identifiers: ClinVar variation 3404750 (VCV003404750.1).